The following is an entry in ClinVar:

ClinVar aggregate classification (germline): Pathogenic/Likely pathogenic. Review status: criteria provided, multiple submitters, no conflicts (2 of 4 stars). 5 submissions from 5 submitters: Pathogenic (1); Likely pathogenic (2). 2 of the submissions do not count toward it. Last evaluated 2024-04-12.

Conditions:
Usher syndrome. Also called: Usher's syndrome; Usher Syndromes. Identifiers: Orphanet 886, MedGen CN469326, MeSH D052245, MONDO:0019501. Disease mechanism: loss of function.
Autosomal recessive nonsyndromic hearing loss 12. Also called: DEAFNESS, AUTOSOMAL RECESSIVE 12. Identifiers: Orphanet 90636, MedGen C1832394, MONDO:0011067, OMIM 601386.
Usher syndrome type 1D (USH1D). Also called: USHER SYNDROME, TYPE ID. Identifiers: Orphanet 231169, Orphanet 886, MedGen C1832845, MONDO:0010984, OMIM 601067.
Pituitary adenoma 5, multiple types. Identifiers: MedGen C4539685, MONDO:0054601, OMIM 617540.
Hearing loss, autosomal recessive. Also called: Nonsyndromic Hearing Loss, Recessive; Deafness, autosomal recessive; Rare autosomal recessive non-syndromic sensorineural deafness type DFNB; Autosomal recessive nonsyndromic deafness. Identifiers: Orphanet 90635, Orphanet 90636, MedGen C1846647, MONDO:0019588, OMIM 607197.

Allele frequency attached by ClinVar (database versions not stated): gnomAD below 0.00001 and 0.00001; ExAC 0.00001.
gnomAD v4.1: 4 of 1,612,096 alleles (0.00025%); highest among the groups gnomAD compares: South Asian, 0.0033%; no homozygotes.

Submissions (5):

Fulgent Genetics
Classification: Likely pathogenic for Usher syndrome type 1D; Autosomal recessive nonsyndromic hearing loss 12; Pituitary adenoma 5, multiple types. Last evaluated: 2024-04-12. Review status: criteria provided, single submitter. Criteria: ACMG Guidelines, 2015. Collection method: clinical testing. Allele origin: germline.

Women's Health and Genetics/Laboratory Corporation of America, LabCorp
Classification: Likely pathogenic for Usher syndrome. Last evaluated: 2024-04-10. Review status: criteria provided, single submitter. Criteria: LabCorp Variant Classification Summary - May 2015. Collection method: clinical testing. Allele origin: germline.
Comment: Variant summary: CDH23 c.6083A>C (p.Asp2028Ala) results in a non-conservative amino acid change located in the classical calcium-binding motif (LDRE)-CA repeat domain (Zafar_2020) of the encoded protein sequence. Five of five in-silico tools predict a damaging effect of the variant on protein function. The variant allele was found at a frequency of 4.1e-06 in 245336 control chromosomes (gnomAD). c.6083A>C has been reported in the literature as a homozygous genotype in at-least four affected individuals with hearing loss (HL) from one consanguineous Pakistani family. The authors noted that the affected individuals of this family did not report any vision problems and appeared to have normal gait sophisticated function (evaluated through Romberg and Tandem gait tests). However, they do not rule out the possibility that night vision problems, retinal degeneration, or balance areflexia might develop as these children age (example, Zafar_2020 with authorship overlap in Richard_2019). To our knowledge, no experimental evidence demonstrating an impact on protein function has been reported. The following publications have been ascertained in the context of this evaluation (PMID: 30303587, 32842620). ClinVar contains an entry for this variant (Variation ID: 619171). Based on the evidence outlined above, the variant was classified as likely pathogenic.

Labcorp Genetics (formerly Invitae), Labcorp
Classification: Pathogenic. Last evaluated: 2023-09-21. Review status: criteria provided, single submitter. Criteria: Invitae Variant Classification Sherloc (09022015). Collection method: clinical testing. Allele origin: germline.
Comment: For these reasons, this variant has been classified as Pathogenic. Advanced modeling of protein sequence and biophysical properties (such as structural, functional, and spatial information, amino acid conservation, physicochemical variation, residue mobility, and thermodynamic stability) has been performed at Invitae for this missense variant, however the output from this modeling did not meet the statistical confidence thresholds required to predict the impact of this variant on CDH23 protein function. ClinVar contains an entry for this variant (Variation ID: 619171). This missense change has been observed in individual(s) with deafness (PMID: 30303587, 32842620). It has also been observed to segregate with disease in related individuals. This variant is present in population databases (rs762226905, gnomAD 0.003%). This sequence change replaces aspartic acid, which is acidic and polar, with alanine, which is neutral and non-polar, at codon 2028 of the CDH23 protein (p.Asp2028Ala).

Laboratory of NeuroGenetics and Regenerative Medicine, University of Maryland School of Medicine
Classification: Pathogenic for Autosomal recessive nonsyndromic hearing loss 12. Last evaluated: 2018-07-01. Review status: no assertion criteria provided. Collection method: research. Allele origin: germline. Affected: yes. Not counted in ClinVar's aggregate classification.

University of Washington Center for Mendelian Genomics, University of Washington
Classification: Likely pathogenic for non-syndromic autosomal recessive hearing loss. Review status: no assertion criteria provided. Collection method: research. Allele origin: inherited. Affected: yes. Not counted in ClinVar's aggregate classification.

Literature cited by the submitters: PubMed 30303587 (cited by 3 submitters); PubMed 32842620 (cited by Women's Health and Genetics/Laboratory Corporation of America, LabCorp and Labcorp Genetics (formerly Invitae), Labcorp).

NM_022124.6(CDH23):c.6083A>C (p.Asp2028Ala)

Gene: CDH23 (cadherin related 23; plus strand). Cytogenetic location: 10q22.1.
Variant type: single nucleotide variant.
Coding change: c.6083A>C on transcript NM_022124.6 (MANE Select); coding-DNA position 6083, A replaced by C.
Protein change: p.Asp2028Ala; replaces aspartic acid 2028 with alanine.
Molecular consequence: missense variant.
Genome position (GRCh38, 1-based): chr10:71,791,165, A>C. VCF-style: chr10-71791165-A-C. GRCh37 (hg19) VCF-style: chr10-73550922-A-C.
Other names: short protein forms D2028A.
Identifiers: ClinVar variation 619171 (VCV000619171.13), dbSNP rs762226905, ClinGen allele CA5545994.